The following is an entry in ClinVar:

NM_012478.4(WBP2):c.779C>T (p.Thr260Ile)

Gene: WBP2 (WW domain binding protein 2; minus strand). Cytogenetic location: 17q25.1.
Variant type: single nucleotide variant.
Coding change: c.779C>T on transcript NM_012478.4 (MANE Select); coding-DNA position 779, C replaced by T.
Protein change: p.Thr260Ile; replaces threonine 260 with isoleucine.
Molecular consequence: missense variant.
Genome position (GRCh38, 1-based): chr17:75,846,741, G>A on the plus strand (C>T on the coding strand, the complement: WBP2 is on the minus strand). VCF-style: chr17-75846741-G-A. GRCh37 (hg19) VCF-style: chr17-73842822-G-A.
Other names: c.644C>T, p.Thr215Ile (NM_001330499.2); c.779C>T, p.Thr260Ile (NM_001348170.1); short protein forms T215I, T260I.
Identifiers: ClinVar variation 4764989 (VCV004764989.1).

ClinVar aggregate classification (germline): Uncertain significance (1 of 4 stars; one submission).

gnomAD v4.1: 7 of 1,527,594 alleles (0.00046%); highest among the groups gnomAD compares: Non-Finnish European, 0.00053%; no homozygotes.

Submission:

Labcorp Genetics (formerly Invitae), Labcorp
Classification: Uncertain significance. Last evaluated: 2026-01-01. Review status: criteria provided, single submitter. Criteria: Invitae Variant Classification Sherloc (09022015). Collection method: clinical testing. Allele origin: germline.
Comment: This sequence change replaces threonine, which is neutral and polar, with isoleucine, which is neutral and non-polar, at codon 260 of the WBP2 protein (p.Thr260Ile). This variant is not present in population databases (gnomAD no frequency). This variant has not been reported in the literature in individuals affected with WBP2-related conditions. An algorithm developed to predict the effect of missense changes on protein structure and function (PolyPhen-2) suggests that this variant is likely to be tolerated. In summary, the available evidence is currently insufficient to determine the role of this variant in disease. Therefore, it has been classified as a Variant of Uncertain Significance.